The following is an entry in ClinVar:

ClinVar aggregate classification (germline): Likely benign. Review status: criteria provided, multiple submitters, no conflicts (2 of 4 stars). 3 submissions from 2 submitters: Likely benign (2). 1 of the submissions does not count toward it. Last evaluated 2024-11-25.

Conditions:
CLASP1-related disorder. Also called: CLASP1-related condition.
RNU4ATAC-related disorder. Also called: RNU4ATAC-related condition.

Allele frequency attached by ClinVar (database versions not stated): TOPMed 0.00246; 1000 Genomes Project 30x 0.00328; gnomAD 0.00234; 1000 Genomes Project 0.00319.
gnomAD v4.1: 585 of 692,064 alleles (0.085%); highest among the groups gnomAD compares: African/African-American, 0.77%; 3 homozygotes.

Submissions (3):

Blueprint Genetics
Classification: Likely benign. Last evaluated: 2024-11-25. Review status: criteria provided, single submitter. Criteria: ACMG Guidelines, 2015. Collection method: clinical testing. Allele origin: germline.

PreventionGenetics, part of Exact Sciences
Classification: Likely benign for CLASP1-related condition. Last evaluated: 2020-02-18. Review status: criteria provided, single submitter. Criteria: ACMG Guidelines, 2015. Collection method: clinical testing. Allele origin: germline.
Comment: This variant is classified as likely benign based on ACMG/AMP sequence variant interpretation guidelines (Richards et al. 2015 PMID: 25741868, with internal and published modifications).

PreventionGenetics, part of Exact Sciences
Classification: Likely benign for RNU4ATAC-related condition. Last evaluated: 2020-02-18. Review status: no assertion criteria provided. Collection method: clinical testing. Allele origin: germline. Not counted in ClinVar's aggregate classification.
Comment: the same text as in the submission from PreventionGenetics, part of Exact Sciences above.

NM_001395891.1(CLASP1):c.196-554A>G

Genes: CLASP1 (cytoplasmic linker associated protein 1; minus strand), CLASP1-AS1 (CLASP1 antisense RNA 1; plus strand), RNU4ATAC (RNA, U4atac small nuclear; plus strand). Cytogenetic location: 2q14.2.
Variant type: single nucleotide variant.
Coding change: c.196-554A>G on transcript NM_001395891.1 (MANE Select); 554 bases into the intron before coding-DNA position 196, A replaced by G.
Molecular consequence: intron variant.
Genome position (GRCh38, 1-based): chr2:121,530,879, T>C on the plus strand (A>G on the coding strand, the complement: CLASP1 is on the minus strand). VCF-style: chr2-121530879-T-C. GRCh37 (hg19) VCF-style: chr2-122288455-T-C.
Other names: c.196-554A>G (NM_001142274.2, NM_015282.3, NM_001378003.1 and 4 more transcripts).
Identifiers: ClinVar variation 3033988 (VCV003033988.3), dbSNP rs111741835, ClinGen allele CA1854672.